The following is an entry in ClinVar:

NM_007294.4(BRCA1):c.3193dup (p.Asp1065fs)

Gene: BRCA1 (BRCA1 DNA repair associated; minus strand). Cytogenetic location: 17q21.31.
Variant type: Duplication.
Coding change: c.3193dup on transcript NM_007294.4 (MANE Select); coding-DNA position 3193, one base duplicated (G; older notation c.3193dupG).
Protein change: p.Asp1065fs; shifts the reading frame from aspartic acid 1065.
Molecular consequence: frameshift variant. On other transcripts: intron variant (137).
Genome position (GRCh38, 1-based): chr17:43,092,338, C duplicated on the plus strand (G on the coding strand, the reverse complement: BRCA1 is on the minus strand). VCF-style (leftmost placement, unchanged base first): chr17-43092337-T-TC. GRCh37 (hg19) VCF-style: chr17-41244354-T-TC.
Other names: 3312insG; c.3193dupG (NM_007294.3); c.2980dup, p.Asp994fs (NM_001407571.1, NM_001407853.1, NM_001407894.1 and 9 more transcripts); c.3193dup, p.Asp1065fs (NM_001407581.1, NM_001407582.1, NM_001407583.1 and 30 more transcripts); c.3190dup, p.Asp1064fs (NM_001407587.1, NM_001407590.1, NM_001407591.1 and 22 more transcripts); c.3184dup, p.Asp1062fs (NM_001407646.1, NM_001407647.1); c.3070dup, p.Asp1024fs (NM_001407648.1, NM_001407664.1, NM_001407665.1 and 19 more transcripts); c.3067dup, p.Asp1023fs (NM_001407649.1, NM_001407670.1, NM_001407671.1 and 11 more transcripts); and 43 more; short protein forms D1065fs, D1018fs, D1024fs, D769fs, D953fs, D954fs, D994fs, D995fs.
Identifiers: ClinVar variation 54796 (VCV000054796.27), dbSNP rs80357511, ClinGen allele CA002078.

ClinVar aggregate classification (germline): Pathogenic. Review status: reviewed by expert panel (3 of 4 stars). 12 submissions from 12 submitters: Pathogenic (1). 11 of the submissions do not count toward it. Last evaluated 2016-09-08.

Conditions:
Hereditary cancer-predisposing syndrome. Also called: Tumor predisposition; Neoplastic Syndromes, Hereditary; Hereditary Cancer Syndrome; Hereditary neoplastic syndrome. Identifiers: Orphanet 140162, MedGen C0027672, MeSH D009386, MONDO:0015356.
Hereditary breast ovarian cancer syndrome. Also called: Hereditary breast and ovarian cancer syndrome (HBOC); Hereditary breast and ovarian cancer syndrome; Hereditary breast and ovarian cancer; Hereditary breast and/or ovarian cancer syndrome; Breast and ovarian cancer; BRCA1- and BRCA2-Associated Hereditary Breast and Ovarian Cancer. Identifiers: Orphanet 145, MedGen C0677776, MeSH D061325, MONDO:0003582. Disease mechanism: loss of function.
Breast-ovarian cancer, familial, susceptibility to, 1 (BROVCA1). Also called: OVARIAN CANCER, SUSCEPTIBILITY TO; BRCA1 Hereditary Breast and Ovarian Cancer. Identifiers: Orphanet 145, MedGen C2676676, MONDO:0011450, OMIM 604370. Disease mechanism: loss of function.

Allele frequency attached by ClinVar (database versions not stated): TOPMed 0.00001.

Submissions (12):

Evidence-based Network for the Interpretation of Germline Mutant Alleles (ENIGMA)
Classification: Pathogenic for Breast-ovarian cancer, familial, susceptibility to, 1. Last evaluated: 2016-09-08. Review status: reviewed by expert panel. Criteria: ENIGMA BRCA1/2 Classification Criteria (2015). Collection method: curation. Allele origin: germline.
Comment: Variant allele predicted to encode a truncated non-functional protein.

Institute of Human Genetics, Heidelberg University
Classification: Pathogenic for Breast-ovarian cancer, familial, susceptibility to, 1. Last evaluated: 2026-07-27. Review status: criteria provided, single submitter. Criteria: ACMG Guidelines, 2015. Collection method: clinical testing. Allele origin: maternal. Observed: 2 variant alleles. Not counted in ClinVar's aggregate classification.
Comment: PVS1_vs; PM5_s; PM2_supp

Ambry Genetics
Classification: Pathogenic for Hereditary cancer-predisposing syndrome. Last evaluated: 2025-03-06. Review status: criteria provided, single submitter. Criteria: Ambry Variant Classification Scheme 2023. Collection method: clinical testing. Allele origin: germline. Not counted in ClinVar's aggregate classification.
Comment: The c.3193dupG pathogenic mutation, located in coding exon 9 of the BRCA1 gene, results from a duplication of G at nucleotide position 3193, causing a translational frameshift with a predicted alternate stop codon (p.D1065Gfs*2). This variant is considered to be rare based on population cohorts in the Genome Aggregation Database (gnomAD). In addition to the clinical data presented in the literature, this alteration is expected to result in loss of function by premature protein truncation or nonsense-mediated mRNA decay. As such, this alteration is interpreted as a disease-causing mutation.

Labcorp Genetics (formerly Invitae), Labcorp
Classification: Pathogenic for Hereditary breast ovarian cancer syndrome. Last evaluated: 2025-01-14. Review status: criteria provided, single submitter. Criteria: Invitae Variant Classification Sherloc (09022015). Collection method: clinical testing. Allele origin: germline. Not counted in ClinVar's aggregate classification.
Comment: This sequence change creates a premature translational stop signal (p.Asp1065Glyfs*2) in the BRCA1 gene. It is expected to result in an absent or disrupted protein product. Loss-of-function variants in BRCA1 are known to be pathogenic (PMID: 20104584). This variant is not present in population databases (gnomAD no frequency). This premature translational stop signal has been observed in individual(s) with breast, ovarian, and skin cancer (PMID: 11109172). It has also been observed to segregate with disease in related individuals. This variant is also known as c.3312insG. ClinVar contains an entry for this variant (Variation ID: 54796). For these reasons, this variant has been classified as Pathogenic.

GeneDx
Classification: Pathogenic. Last evaluated: 2024-03-08. Review status: criteria provided, single submitter. Criteria: GeneDx Variant Classification Process June 2021. Collection method: clinical testing. Allele origin: germline. Affected: yes. Not counted in ClinVar's aggregate classification.
Comment: Frameshift variant predicted to result in protein truncation or nonsense mediated decay in a gene for which loss-of-function is a known mechanism of disease; Not observed at significant frequency in large population cohorts (gnomAD); Observed in individuals with a personal and/or family history consistent with pathogenic variants in this gene (PMID: 11109172, 27208206, 28888541); Truncating variants in this gene are considered pathogenic by a well-established clinical consortium and/or database; Also known as 3312dupG; This variant is associated with the following publications: (PMID: 11109172, 17688236, 27208206, 31745186, 31853058, 28888541, 32090079)

Baylor Genetics
Classification: Pathogenic for Breast-ovarian cancer, familial, susceptibility to, 1. Last evaluated: 2022-06-07. Review status: criteria provided, single submitter. Criteria: ACMG Guidelines, 2015. Collection method: clinical testing. Allele origin: unknown. Not counted in ClinVar's aggregate classification.

Color Diagnostics, LLC DBA Color Health
Classification: Pathogenic for Hereditary cancer-predisposing syndrome. Last evaluated: 2020-12-30. Review status: criteria provided, single submitter. Criteria: ACMG Guidelines, 2015. Collection method: clinical testing. Allele origin: germline. Not counted in ClinVar's aggregate classification.
Comment: This variant inserts 1 nucleotide in exon 10 of the BRCA1 gene, creating a frameshift and premature translation stop signal. This variant is expected to result in an absent or non-functional protein product. To our knowledge, functional studies have not been reported for this variant. This variant has been observed in individuals affected with ovarian and breast cancer (PMID: 17688236; Color internal data) and in suspected hereditary breast and ovarian cancer families (PMID: 16267036, 21913181) and is reported to segregate with breast, ovarian and skin cancer in one family (PMID: 11109172). This variant has not been identified in the general population by the Genome Aggregation Database (gnomAD). Loss of BRCA1 function is a known mechanism of disease. Based on the available evidence, this variant is classified as Pathogenic.

Quest Diagnostics Nichols Institute San Juan Capistrano
Classification: Pathogenic. Last evaluated: 2017-03-04. Review status: criteria provided, single submitter. Criteria: Quest Diagnostics criteria. Collection method: clinical testing. Allele origin: germline. Not counted in ClinVar's aggregate classification.

Consortium of Investigators of Modifiers of BRCA1/2 (CIMBA), c/o University of Cambridge
Classification: Pathogenic for Breast-ovarian cancer, familial, susceptibility to, 1. Last evaluated: 2015-10-02. Review status: criteria provided, single submitter. Criteria: CIMBA Mutation Classification guidelines May 2016. Collection method: clinical testing. Allele origin: germline. Not counted in ClinVar's aggregate classification.

Research Molecular Genetics Laboratory, Women's College Hospital, University of Toronto
Classification: Pathogenic for Hereditary breast ovarian cancer syndrome. Last evaluated: 2014-01-31. Review status: no assertion criteria provided. Collection method: research. Allele origin: germline. Affected: yes. Study: The Canadian Open Genetics Repository (COGR). Not counted in ClinVar's aggregate classification.

Sharing Clinical Reports Project (SCRP)
Classification: Pathogenic for Breast-ovarian cancer, familial 1. Last evaluated: 2009-08-08. Review status: no assertion criteria provided. Collection method: clinical testing. Allele origin: germline. Not counted in ClinVar's aggregate classification.

Breast Cancer Information Core (BIC) (BRCA1)
Classification: Pathogenic for Breast-ovarian cancer, familial 1. Last evaluated: 2002-05-29. Review status: no assertion criteria provided. Collection method: clinical testing. Allele origin: germline. Affected: yes. Observed: 6 variant alleles. Not counted in ClinVar's aggregate classification.

Literature cited by the submitters: PubMed 11109172 (cited by Ambry Genetics and Labcorp Genetics (formerly Invitae), Labcorp); PubMed 20104584 (cited by Labcorp Genetics (formerly Invitae), Labcorp).